The following is an entry in ClinVar:

NM_000219.6(KCNE1):c.356_360del (p.Asn119fs)

Gene: KCNE1 (potassium voltage-gated channel subfamily E regulatory subunit 1; minus strand). Cytogenetic location: 21q22.12.
Variant type: Deletion.
Coding change: c.356_360del on transcript NM_000219.6 (MANE Select); coding-DNA positions 356 to 360, 5 bases deleted (ACACA; older notation c.356_360delACACA).
Protein change: p.Asn119fs; shifts the reading frame from asparagine 119.
Molecular consequence: frameshift variant.
Genome position (GRCh38, 1-based): chr21:34,449,275-34,449,279, TGTGT deleted on the plus strand (ACACA on the coding strand, the reverse complement: KCNE1 is on the minus strand); deleting any 5 consecutive bases within chr21:34,449,275-34,449,281 gives the same sequence; the c. name uses the placement nearest the transcript's 3' end. VCF-style (leftmost placement, unchanged base first): chr21-34449274-GTGTGT-G. GRCh37 (hg19) VCF-style: chr21-35821572-GTGTGT-G.
Other names: c.356_360del, p.Asn119fs (NM_001127668.4, NM_001127669.4, NM_001127670.4 and 4 more transcripts); short protein forms N119fs.
Identifiers: ClinVar variation 3663807 (VCV003663807.2).

ClinVar aggregate classification (germline): Uncertain significance (1 of 4 stars; one submission).

Conditions:
Long QT syndrome (LQTS). Identifiers: MedGen C0023976, MeSH D008133, MONDO:0002442. Disease mechanism: loss of function. Inheritance: Various modes of inheritance.

Submission:

Labcorp Genetics (formerly Invitae), Labcorp
Classification: Uncertain significance for Long QT syndrome. Last evaluated: 2024-08-28. Review status: criteria provided, single submitter. Criteria: Invitae Variant Classification Sherloc (09022015). Collection method: clinical testing. Allele origin: germline.
Comment: This sequence change creates a premature translational stop signal (p.Asn119Thrfs*4) in the KCNE1 gene. While this is not anticipated to result in nonsense mediated decay, it is expected to disrupt the last 11 amino acid(s) of the KCNE1 protein. This variant is not present in population databases (gnomAD no frequency). This variant has not been reported in the literature in individuals affected with KCNE1-related conditions. Experimental studies and prediction algorithms are not available or were not evaluated, and the functional significance of this variant is currently unknown. In summary, the available evidence is currently insufficient to determine the role of this variant in disease. Therefore, it has been classified as a Variant of Uncertain Significance.